The following is an entry in ClinVar:

NM_001267550.2(TTN):c.31745C>T (p.Pro10582Leu)

Gene: TTN (titin; minus strand). Cytogenetic location: 2q31.2.
Variant type: single nucleotide variant.
Coding change: c.31745C>T on transcript NM_001267550.2 (MANE Select); coding-DNA position 31745, C replaced by T.
Protein change: p.Pro10582Leu; replaces proline 10582 with leucine.
Molecular consequence: missense variant. On other transcripts: intron variant (3).
Genome position (GRCh38, 1-based): chr2:178,692,033, G>A on the plus strand (C>T on the coding strand, the complement: TTN is on the minus strand). VCF-style: chr2-178692033-G-A. GRCh37 (hg19) VCF-style: chr2-179556760-G-A.
Other names: c.30794C>T, p.Pro10265Leu (NM_001256850.1); c.28013C>T, p.Pro9338Leu (NM_133378.4); c.13282+46049C>T (NM_003319.4); c.13858+46049C>T (NM_133437.4); c.13657+46049C>T (NM_133432.3); short protein forms P10582L, P9338L, P10265L.
Identifiers: ClinVar variation 191995 (VCV000191995.1), dbSNP rs202027546, ClinGen allele CA238054.

ClinVar aggregate classification (germline): Uncertain significance (1 of 4 stars; one submission).

Allele frequency attached by ClinVar (database versions not stated): gnomAD exomes below 0.00001.
gnomAD v4.1: 1 of 1,612,688 alleles (0.000062%); highest among the groups gnomAD compares: South Asian, 0.0011%; no homozygotes.

Submission:

Biesecker Lab/Clinical Genomics Section, National Institutes of Health
Classification: Uncertain significance. Last evaluated: 2013-06-24. Review status: criteria provided, single submitter. Criteria: Ng et al. (Circ Cardiovasc Genet. 2013). Collection method: research. Allele origin: unknown. Observed: 1 variant allele. Study: ClinSeq.
Comment: The study set was not selected for affection status in relation to any cancer. Pathogenicity categories were based on literature curation. See Pubmed ID:23861362 for details.

Medical sequencing